The following is an entry in ClinVar:

ClinVar aggregate classification (germline): Uncertain significance. Review status: criteria provided, multiple submitters, no conflicts (2 of 4 stars). 2 submissions from 2 submitters: Uncertain significance (2). Last evaluated 2025-03-06.

Conditions:
Agammaglobulinemia 2, autosomal recessive (AGM2). Also called: AGAMMAGLOBULINEMIA, AUTOSOMAL RECESSIVE, DUE TO IGLL1 DEFECT. Identifiers: MedGen C3150750, MONDO:0013287, OMIM 613500.

Allele frequency attached by ClinVar (database versions not stated): gnomAD 0.00001; ExAC 0.00002; gnomAD exomes 0.00002.

Submissions (2):

Labcorp Genetics (formerly Invitae), Labcorp
Classification: Uncertain significance for Agammaglobulinemia 2, autosomal recessive. Last evaluated: 2025-03-06. Review status: criteria provided, single submitter. Criteria: Invitae Variant Classification Sherloc (09022015). Collection method: clinical testing. Allele origin: germline.
Comment: This sequence change replaces aspartic acid, which is acidic and polar, with asparagine, which is neutral and polar, at codon 152 of the IGLL1 protein (p.Asp152Asn). This variant is present in population databases (rs766752741, gnomAD 0.01%). This variant has not been reported in the literature in individuals affected with IGLL1-related conditions. ClinVar contains an entry for this variant (Variation ID: 1176009). An algorithm developed to predict the effect of missense changes on protein structure and function outputs the following: PolyPhen-2: "Benign". The asparagine amino acid residue is found in multiple mammalian species, which suggests that this missense change does not adversely affect protein function. In summary, the available evidence is currently insufficient to determine the role of this variant in disease. Therefore, it has been classified as a Variant of Uncertain Significance.

CeGaT Center for Human Genetics Tuebingen
Classification: Uncertain significance. Last evaluated: 2021-06-01. Review status: criteria provided, single submitter. Criteria: CeGaT Center For Human Genetics Tuebingen Variant Classification Criteria Version 2. Collection method: clinical testing. Allele origin: germline. Affected: yes. Observed: 1 variant allele.

NM_020070.4(IGLL1):c.454G>A (p.Asp152Asn)

Gene: IGLL1 (immunoglobulin lambda like polypeptide 1; minus strand). Cytogenetic location: 22q11.23.
Variant type: single nucleotide variant.
Coding change: c.454G>A on transcript NM_020070.4 (MANE Select); coding-DNA position 454, G replaced by A.
Protein change: p.Asp152Asn; replaces aspartic acid 152 with asparagine.
Molecular consequence: missense variant. On other transcripts: 3 prime UTR variant (1).
Genome position (GRCh38, 1-based): chr22:23,573,454, C>T on the plus strand (G>A on the coding strand, the complement: IGLL1 is on the minus strand). VCF-style: chr22-23573454-C-T. GRCh37 (hg19) VCF-style: chr22-23915641-C-T.
Other names: c.457G>A, p.Asp153Asn (NM_001369906.1); c.*83G>A (NM_152855.3); short protein forms D152N, D153N.
Identifiers: ClinVar variation 1176009 (VCV001176009.38), dbSNP rs766752741, ClinGen allele CA10143268.